The following is an entry in ClinVar:

NM_001042681.2(RERE):c.3479C>T (p.Ala1160Val)

Gene: RERE (arginine-glutamic acid dipeptide repeats; minus strand). Cytogenetic location: 1p36.23.
Variant type: single nucleotide variant.
Coding change: c.3479C>T on transcript NM_001042681.2 (MANE Select); coding-DNA position 3479, C replaced by T.
Protein change: p.Ala1160Val; replaces alanine 1160 with valine.
Molecular consequence: missense variant.
Genome position (GRCh38, 1-based): chr1:8,359,903, G>A on the plus strand (C>T on the coding strand, the complement: RERE is on the minus strand). VCF-style: chr1-8359903-G-A. GRCh37 (hg19) VCF-style: chr1-8419963-G-A.
Other names: c.1817C>T, p.Ala606Val (NM_001042682.2); c.3479C>T, p.Ala1160Val (NM_012102.4); short protein forms A606V, A1160V.
Identifiers: ClinVar variation 1031182 (VCV001031182.1), dbSNP rs1641487262, ClinGen allele CA338170494.

ClinVar aggregate classification (germline): Uncertain significance (1 of 4 stars; one submission).

Conditions:
Neurodevelopmental disorder with or without anomalies of the brain, eye, or heart (NEDBEH). Identifiers: Orphanet 494344, MedGen C5567477, MONDO:0014857, OMIM 616975.

Submission:

Baylor Genetics
Classification: Uncertain significance for Neurodevelopmental disorder with or without anomalies of the brain, eye, or heart. Last evaluated: 2020-06-03. Review status: criteria provided, single submitter. Criteria: ACMG Guidelines, 2015. Collection method: clinical testing. Allele origin: unknown. Affected: yes.
Comment: This variant was determined to be of uncertain significance according to ACMG Guidelines, 2015 [PMID:25741868].